The following is an entry in ClinVar:

NM_032271.3(TRAF7):c.1844A>G (p.Lys615Arg)

Gene: TRAF7 (TNF receptor associated factor 7; plus strand). Cytogenetic location: 16p13.3.
Variant type: single nucleotide variant.
Coding change: c.1844A>G on transcript NM_032271.3 (MANE Select); coding-DNA position 1844, A replaced by G.
Protein change: p.Lys615Arg; replaces lysine 615 with arginine.
Molecular consequence: missense variant.
Genome position (GRCh38, 1-based): chr16:2,176,146, A>G. VCF-style: chr16-2176146-A-G. GRCh37 (hg19) VCF-style: chr16-2226147-A-G.
Other names: c.1844A>G (NM_032271.2); short protein forms K615R.
Identifiers: ClinVar variation 2010005 (VCV002010005.5), dbSNP rs2545012301, ClinGen allele CA394335771.

ClinVar aggregate classification (germline): Uncertain significance. Review status: criteria provided, multiple submitters, no conflicts (2 of 4 stars). 2 submissions from 2 submitters: Uncertain significance (2). Last evaluated 2024-04-26.

Conditions:
Inborn genetic diseases. Identifiers: MedGen C0950123, MeSH D030342.

Allele frequency attached by ClinVar (database versions not stated): gnomAD exomes below 0.00001.
gnomAD v4.1: 1 of 1,609,886 alleles (0.000062%); highest among the groups gnomAD compares: Non-Finnish European, 0.000085%; no homozygotes.

Submissions (2):

Ambry Genetics
Classification: Uncertain significance for Inborn genetic diseases. Last evaluated: 2024-04-26. Review status: criteria provided, single submitter. Criteria: Ambry Variant Classification Scheme 2023. Collection method: clinical testing. Allele origin: germline.

Labcorp Genetics (formerly Invitae), Labcorp
Classification: Uncertain significance. Last evaluated: 2022-06-23. Review status: criteria provided, single submitter. Criteria: Invitae Variant Classification Sherloc (09022015). Collection method: clinical testing. Allele origin: germline.
Comment: In summary, the available evidence is currently insufficient to determine the role of this variant in disease. Therefore, it has been classified as a Variant of Uncertain Significance. Algorithms developed to predict the effect of missense changes on protein structure and function (SIFT, PolyPhen-2, Align-GVGD) all suggest that this variant is likely to be tolerated. This variant has not been reported in the literature in individuals affected with TRAF7-related conditions. This variant is not present in population databases (gnomAD no frequency). This sequence change replaces lysine, which is basic and polar, with arginine, which is basic and polar, at codon 615 of the TRAF7 protein (p.Lys615Arg).